The following is an entry in ClinVar:

ClinVar aggregate classification (germline): Pathogenic/Likely pathogenic. Review status: criteria provided, multiple submitters, no conflicts (2 of 4 stars). 6 submissions from 6 submitters: Pathogenic (2); Likely pathogenic (3). 1 of the submissions does not count toward it. Last evaluated 2024-11-01.

Conditions:
Long chain 3-hydroxyacyl-CoA dehydrogenase deficiency. Also called: Deficiency of long-chain 3-hydroxyacyl-coenzyme A dehydrogenase; LCHAD Deficiency. Identifiers: Orphanet 5, MedGen C3711645, MONDO:0012173, OMIM 609016.
Mitochondrial trifunctional protein deficiency 1 (MTPD1). Identifiers: MedGen CN376812, MONDO:0958181, OMIM 609015.
Mitochondrial trifunctional protein deficiency. Identifiers: Orphanet 746, MedGen C1969443, MONDO:0012172.

Allele frequency attached by ClinVar (database versions not stated): gnomAD exomes below 0.00001.

Submissions (6):

CeGaT Center for Human Genetics Tuebingen
Classification: Pathogenic. Last evaluated: 2024-11-01. Review status: criteria provided, single submitter. Criteria: CeGaT Center For Human Genetics Tuebingen Variant Classification Criteria Version 2. Collection method: clinical testing. Allele origin: germline. Affected: yes. Observed: 3 variant alleles.
Comment: HADHA: PVS1, PM2, PM3:Supporting

Fulgent Genetics
Classification: Likely pathogenic for Mitochondrial trifunctional protein deficiency 1; Long chain 3-hydroxyacyl-CoA dehydrogenase deficiency. Last evaluated: 2024-01-31. Review status: criteria provided, single submitter. Criteria: ACMG Guidelines, 2015. Collection method: clinical testing. Allele origin: germline.

Victorian Clinical Genetics Services, Murdoch Childrens Research Institute
Classification: Likely pathogenic for Long chain 3-hydroxyacyl-CoA dehydrogenase deficiency. Last evaluated: 2023-07-17. Review status: criteria provided, single submitter. Criteria: ACMG Guidelines, 2015. Collection method: clinical testing. Allele origin: germline. Inheritance: Autosomal recessive inheritance. Affected: yes.
Comment: Based on the classification scheme VCGS_Germline_v1.3.4, this variant is classified as Likely pathogenic. Following criteria are met: 0102 - Loss of function is a known mechanism of disease in this gene and is associated with LCHAD deficiency, (MIM#609016) and mitochondrial trifunctional protein (TFP) deficiency (MIM#609015). (I) 0106 - This gene is associated with autosomal recessive disease. There is currently no genotype-phenotype correlation distinguishing LCHAD and TFP deficiency; enzymatic assay will be required. (I) 0204 - Variant is predicted to result in a truncated protein (premature termination codon is located within the first 102 nucleotides of the coding sequence and is predicted to escape nonsense-mediated decay). (SP) 0251 - This variant is heterozygous. (I) 0304 - Variant is present in gnomAD <0.01 for a recessive condition (v2: 1 heterozygote, 0 homozygotes). (SP) 0704 - Another predicted 5’ NMD-escape variant comparable to the one identified in this case has limited previous evidence for pathogenicity (ClinVar). (SP) 0802 - This variant has moderate previous evidence of pathogenicity in unrelated individuals. It has been reported as likely pathogenic and pathogenic by diagnostic laboratories in ClinVar. One of these laboratories identified this variant in their carrier screening test (personal communication). (SP) 0905 - No published segregation evidence has been identified for this variant. (I) 1007 - No published functional evidence has been identified for this variant. (I) 1102 - Strong phenotype match for this individual. (I) Legend: (SP) - Supporting pathogenic, (I) - Information, (SB) - Supporting benign

Labcorp Genetics (formerly Invitae), Labcorp
Classification: Pathogenic for Mitochondrial trifunctional protein deficiency; Long chain 3-hydroxyacyl-CoA dehydrogenase deficiency. Last evaluated: 2021-10-04. Review status: criteria provided, single submitter. Criteria: Invitae Variant Classification Sherloc (09022015). Collection method: clinical testing. Allele origin: germline.
Comment: For these reasons, this variant has been classified as Pathogenic. ClinVar contains an entry for this variant (Variation ID: 552438). This premature translational stop signal has been observed in individual(s) with mitochondrial trifunctional protein deficiency (PMID: 14630990). This variant is not present in population databases (ExAC no frequency). This sequence change creates a premature translational stop signal (p.Tyr24*) in the HADHA gene. It is expected to result in an absent or disrupted protein product. Loss-of-function variants in HADHA are known to be pathogenic (PMID: 7738175, 21103935, 21549624, 22459206).

Women's Health and Genetics/Laboratory Corporation of America, LabCorp
Classification: Likely pathogenic for Long chain 3-hydroxyacyl-CoA dehydrogenase deficiency. Last evaluated: 2018-01-29. Review status: criteria provided, single submitter. Criteria: LabCorp Variant Classification Summary - May 2015. Collection method: clinical testing. Allele origin: germline.
Comment: Variant summary: HADHA c.72delT (p.Tyr24X) results in a premature termination codon, predicted to cause a truncation of the encoded protein or absence of the protein due to nonsense mediated decay, which are commonly known mechanisms for disease. Truncations downstream of this position have been classified as pathogenic by our laboratory (eg. p.R291X and p.L656X). The variant allele was found at a frequency of 4.1e-06 in 246080 control chromosomes in gnomAD, which does not exceed the maximal expected allele frequency for a pathogenic variant in HADHA. The variant c.72delT has been reported in the literature in individuals affected with Long Chain 3-Hydroxyacyl-CoA Dehydrogenase Deficiency (SPIEKERKOETTER_2004). These data indicate that the variant may be associated with disease. To our knowledge, no experimental evidence demonstrating an impact on protein function has been reported. No clinical diagnostic laboratories have submitted clinical-significance assessments for this variant to ClinVar after 2014. Based on the evidence outlined here, the variant was classified as likely pathogenic.

Counsyl
Classification: Likely pathogenic for Long chain 3-hydroxyacyl-CoA dehydrogenase deficiency. Last evaluated: 2017-06-09. Review status: no assertion criteria provided. Collection method: clinical testing. Allele origin: unknown. Not counted in ClinVar's aggregate classification.

Literature cited by the submitters: PubMed 14630990 (cited by 3 submitters); PubMed 7738175 (cited by Labcorp Genetics (formerly Invitae), Labcorp); PubMed 21103935 (cited by Labcorp Genetics (formerly Invitae), Labcorp); PubMed 21549624 (cited by Labcorp Genetics (formerly Invitae), Labcorp and Women's Health and Genetics/Laboratory Corporation of America, LabCorp); PubMed 22459206 (cited by Labcorp Genetics (formerly Invitae), Labcorp).

NM_000182.5(HADHA):c.72del (p.Gly23_Tyr24insTer)

Gene: HADHA (hydroxyacyl-CoA dehydrogenase trifunctional multienzyme complex subunit alpha; minus strand). Cytogenetic location: 2p23.3.
Variant type: Deletion.
Coding change: c.72del on transcript NM_000182.5 (MANE Select); coding-DNA position 72, one base deleted (T; older notation c.72delT).
Protein change: p.Gly23_Tyr24insTer.
Molecular consequence: nonsense.
Genome position (GRCh38, 1-based): chr2:26,239,139, A deleted on the plus strand (T on the coding strand, the reverse complement: HADHA is on the minus strand). VCF-style (leftmost placement, unchanged base first): chr2-26239138-TA-T. GRCh37 (hg19) VCF-style: chr2-26462006-TA-T.
Identifiers: ClinVar variation 552438 (VCV000552438.39), dbSNP rs1553316176, ClinGen allele CA531381797.